The following is an entry in ClinVar:

ClinVar aggregate classification (germline): Benign. Review status: criteria provided, multiple submitters, no conflicts (2 of 4 stars). 2 submissions from 2 submitters: Benign (2). Last evaluated 2018-01-12.

Conditions:
Joubert syndrome 15 (JBTS15). Identifiers: Orphanet 475, MedGen C3280897, MONDO:0013763, OMIM 614464.

Allele frequency attached by ClinVar (database versions not stated): 1000 Genomes Project 0.00859; 1000 Genomes Project 30x 0.00890; ExAC 0.01462; gnomAD exomes 0.01935 and 0.02185; TOPMed 0.01970; gnomAD 0.02011 and 0.02074.
gnomAD v4.1: 9,703 of 454,534 alleles (2.1%); highest among the groups gnomAD compares: Non-Finnish European, 3.1%; 152 homozygotes.

Submissions (2):

Illumina Laboratory Services, Illumina
Classification: Benign for Joubert syndrome 15. Last evaluated: 2018-01-12. Review status: criteria provided, single submitter. Criteria: ICSL Variant Classification Criteria 13 December 2019. Collection method: clinical testing. Allele origin: germline.
Comment: This variant was observed in the ICSL laboratory as part of a predisposition screen in an ostensibly healthy population. It had not been previously curated by ICSL or reported in the Human Gene Mutation Database (HGMD: prior to June 1st, 2018), and was therefore a candidate for classification through an automated scoring system. Utilizing variant allele frequency, disease prevalence and penetrance estimates, and inheritance mode, an automated score was calculated to assess if this variant is too frequent to cause the disease. Based on the score and internal cut-off values, a variant classified as benign is not then subjected to further curation. The score for this variant resulted in a classification of benign for this disease.

Breakthrough Genomics
Classification: Benign. Review status: criteria provided, single submitter. Criteria: ACMG Guidelines, 2015. Collection method: not provided. Allele origin: germline. Inheritance: Autosomal recessive inheritance. Affected: yes.

NM_018718.3(CEP41):c.*927T>C

Gene: CEP41 (centrosomal protein 41; minus strand). Cytogenetic location: 7q32.2.
Variant type: single nucleotide variant.
Coding change: c.*927T>C on transcript NM_018718.3 (MANE Select); 927 bases downstream of the stop codon, T replaced by C.
Molecular consequence: 3 prime UTR variant. On other transcripts: non-coding transcript variant (1).
Genome position (GRCh38, 1-based): chr7:130,397,964, A>G on the plus strand (T>C on the coding strand, the complement: CEP41 is on the minus strand). VCF-style: chr7-130397964-A-G. GRCh37 (hg19) VCF-style: chr7-130037805-A-G.
Other names: c.*927T>C (NM_001257158.2, NM_001257159.2).
Identifiers: ClinVar variation 908264 (VCV000908264.5), dbSNP rs73152870, ClinGen allele CA4485290.